The following is an entry in ClinVar:

ClinVar aggregate classification (germline): Uncertain significance (1 of 4 stars; one submission).

gnomAD v4.1: 1 of 1,613,634 alleles (0.000062%); highest among the groups gnomAD compares: Admixed American, 0.0017%; no homozygotes.

Submission:

GeneDx
Classification: Uncertain significance. Last evaluated: 2024-03-10. Review status: criteria provided, single submitter. Criteria: GeneDx Variant Classification Process June 2021. Collection method: clinical testing. Allele origin: germline. Affected: yes.
Comment: Has not been previously published as pathogenic or benign to our knowledge; Not observed at significant frequency in large population cohorts (gnomAD); In silico analysis supports that this missense variant does not alter protein structure/function

NM_000501.4(ELN):c.253G>A (p.Val85Ile)

Gene: ELN (elastin; plus strand). Cytogenetic location: 7q11.23.
Variant type: single nucleotide variant.
Coding change: c.253G>A on transcript NM_000501.4 (MANE Select); coding-DNA position 253, G replaced by A.
Protein change: p.Val85Ile; replaces valine 85 with isoleucine.
Molecular consequence: missense variant.
Genome position (GRCh38, 1-based): chr7:74,042,634, G>A. VCF-style: chr7-74042634-G-A. GRCh37 (hg19) VCF-style: chr7-73456964-G-A.
Other names: c.223G>A, p.Val75Ile (NM_001081752.3, NM_001278914.2, NM_001278917.2 and 1 more transcripts); c.253G>A, p.Val85Ile (NM_001081753.3, NM_001081754.3, NM_001081755.3 and 4 more transcripts); c.217G>A, p.Val73Ile (NM_001278913.2); short protein forms V73I, V75I, V85I.
Identifiers: ClinVar variation 3370603 (VCV003370603.1).